The following is an entry in ClinVar:

NM_032242.4(PLXNA1):c.1167C>T (p.Leu389=)

Gene: PLXNA1 (plexin A1; plus strand). Cytogenetic location: 3q21.3.
Variant type: single nucleotide variant.
Coding change: c.1167C>T on transcript NM_032242.4 (MANE Select); coding-DNA position 1167, C replaced by T.
Protein change: p.Leu389=; no amino-acid change (leucine 389 retained).
Molecular consequence: synonymous variant.
Genome position (GRCh38, 1-based): chr3:126,989,760, C>T. VCF-style: chr3-126989760-C-T. GRCh37 (hg19) VCF-style: chr3-126708603-C-T.
Identifiers: ClinVar variation 3354227 (VCV003354227.1).

ClinVar aggregate classification (germline): Likely benign (0 of 4 stars; one submission).

Conditions:
PLXNA1-related disorder. Also called: PLXNA1-related condition.

gnomAD v4.1: 6 of 1,610,764 alleles (0.00037%); highest among the groups gnomAD compares: African/African-American, 0.008%; no homozygotes.

Submission:

PreventionGenetics, part of Exact Sciences
Classification: Likely benign for PLXNA1-related condition. Last evaluated: 2022-09-30. Review status: no assertion criteria provided. Collection method: clinical testing. Allele origin: germline.
Comment: This variant is classified as likely benign based on ACMG/AMP sequence variant interpretation guidelines (Richards et al. 2015 PMID: 25741868, with internal and published modifications).